The following is an entry in ClinVar:

NM_020987.5(ANK3):c.5771C>T (p.Pro1924Leu)

Gene: ANK3 (ankyrin 3; minus strand). Cytogenetic location: 10q21.2.
Variant type: single nucleotide variant.
Coding change: c.5771C>T on transcript NM_020987.5 (MANE Select); coding-DNA position 5771, C replaced by T.
Protein change: p.Pro1924Leu; replaces proline 1924 with leucine.
Molecular consequence: missense variant. On other transcripts: intron variant (4).
Genome position (GRCh38, 1-based): chr10:60,075,110, G>A on the plus strand (C>T on the coding strand, the complement: ANK3 is on the minus strand). VCF-style: chr10-60075110-G-A. GRCh37 (hg19) VCF-style: chr10-61834868-G-A.
Other names: c.5771C>T (NM_020987.3); c.4387+5427C>T (NM_001204403.2); c.4408+5427C>T (NM_001204404.2); c.4405+5427C>T (NM_001320874.2); c.1807+5427C>T (NM_001149.4); short protein forms P1924L.
Identifiers: ClinVar variation 2182311 (VCV002182311.7), dbSNP rs1055522716, ClinGen allele CA207325678.

ClinVar aggregate classification (germline): Uncertain significance. Review status: criteria provided, multiple submitters, no conflicts (2 of 4 stars). 3 submissions from 3 submitters: Uncertain significance (3). Last evaluated 2025-03-20.

Conditions:
Inborn genetic diseases. Identifiers: MedGen C0950123, MeSH D030342.

Allele frequency attached by ClinVar (database versions not stated): gnomAD exomes below 0.00001; gnomAD 0.00003; TOPMed 0.00003.
gnomAD v4.1: 9 of 1,613,938 alleles (0.00056%); highest among the groups gnomAD compares: Non-Finnish European, 0.00076%; no homozygotes.

Submissions (3):

GeneDx
Classification: Uncertain significance. Last evaluated: 2025-03-20. Review status: criteria provided, single submitter. Criteria: GeneDx Variant Classification Process June 2021. Collection method: clinical testing. Allele origin: germline. Affected: yes.
Comment: Not observed at significant frequency in large population cohorts (gnomAD); In silico analysis indicates that this missense variant does not alter protein structure/function; Has not been previously published as pathogenic or benign to our knowledge

Ambry Genetics
Classification: Uncertain significance for Inborn genetic diseases. Last evaluated: 2023-02-16. Review status: criteria provided, single submitter. Criteria: Ambry Variant Classification Scheme 2023. Collection method: clinical testing. Allele origin: germline.

Labcorp Genetics (formerly Invitae), Labcorp
Classification: Uncertain significance. Last evaluated: 2022-05-18. Review status: criteria provided, single submitter. Criteria: Invitae Variant Classification Sherloc (09022015). Collection method: clinical testing. Allele origin: germline.
Comment: In summary, the available evidence is currently insufficient to determine the role of this variant in disease. Therefore, it has been classified as a Variant of Uncertain Significance. Algorithms developed to predict the effect of missense changes on protein structure and function are either unavailable or do not agree on the potential impact of this missense change (SIFT: "Not Available"; PolyPhen-2: "Benign"; Align-GVGD: "Not Available"). This variant has not been reported in the literature in individuals affected with ANK3-related conditions. This variant is present in population databases (no rsID available, gnomAD 0.002%). This sequence change replaces proline, which is neutral and non-polar, with leucine, which is neutral and non-polar, at codon 1924 of the ANK3 protein (p.Pro1924Leu).